The following is an entry in ClinVar:

ClinVar aggregate classification (germline): Pathogenic. Review status: criteria provided, multiple submitters, no conflicts (2 of 4 stars). 33 submissions from 33 submitters: Pathogenic (29). 4 of the submissions do not count toward it. Last evaluated 2026-10-23.
ClinVar aggregate classification (oncogenicity): Oncogenic (1 of 4 stars; one submission).

Conditions:
ATM-related disorder. Also called: ATM-related disorders; ATM-related condition.
ATM-related cancer predisposition. Also called: ATM-related cancer susceptibility. Identifiers: MedGen CN377759, MONDO:0700270.
Familial cancer of breast. Also called: hereditary breast carcinoma; BREAST CANCER, FAMILIAL; Hereditary breast cancer. Identifiers: Orphanet 227535, MedGen C0346153, MONDO:0016419, OMIM 114480. Disease mechanism: loss of function.
Ataxia-telangiectasia syndrome (AT). Also called: LOUIS-BAR SYNDROME; ATAXIA-TELANGIECTASIA, COMPLEMENTATION GROUP A; ATAXIA-TELANGIECTASIA, FRESNO VARIANT; Ataxia-telangiectasia; Ataxia telangiectasia (A-T); Ataxia-telangiectasia, complementation group D. Identifiers: Orphanet 100, MedGen C0004135, MONDO:0008840, OMIM 208900.
Hereditary cancer-predisposing syndrome. Also called: Hereditary neoplastic syndrome; Neoplastic Syndromes, Hereditary; Tumor predisposition; Hereditary Cancer Syndrome. Identifiers: Orphanet 140162, MedGen C0027672, MeSH D009386, MONDO:0015356.
Endometrial carcinoma. Also called: Endometrial carcinoma, somatic. Identifiers: MedGen C0476089, MONDO:0002447, OMIM 608089, HP:0012114.
Neoplasm. Also called: Neoplasms; Neoplasm (disease); tumor. Identifiers: MedGen C0027651, MeSH D009369, MONDO:0005070, HP:0002664.

Allele frequency attached by ClinVar (database versions not stated): ExAC 0.00002; TOPMed 0.00002.
gnomAD v4.1: 16 of 1,613,342 alleles (0.00099%); highest among the groups gnomAD compares: African/African-American, 0.0027%; no homozygotes.

Submissions 1 to 10 of 35:

Gene Mapping Laboratory, Hacettepe University
Classification: Pathogenic for Ataxia-telangiectasia syndrome. Last evaluated: 2026-10-23. Review status: criteria provided, single submitter. Criteria: ACMG Guidelines, 2015. Collection method: research. Allele origin: inherited. Inheritance: Autosomal recessive inheritance. Affected: yes. Observed: 1 variant allele, 1 homozygote.
Comment: This homozygous variant affects a canonical splice donor site and is expected to disrupt normal RNA splicing, resulting in loss of ATM function (PVS1). This variant is rare in population databases (PM2), and the phenotype of ataxia and ocular telangiectasia is compatible with AT (PP4). This variant has also been previously reported in ClinVar (PP5).

Hema, HEMA – Genetic and Molecular Diagnostic Laboratory
Classification: Pathogenic for ATM-related cancer predisposition. Last evaluated: 2026-08-04. Review status: criteria provided, single submitter. Criteria: HEMA Variant Classification Assertion Criteria. Collection method: clinical testing. Allele origin: germline.
Comment: The variant c.2921+1G>A is a transition from guanine to adenine that affects the donor splice site of intron 19 of the ATM gene. PVS1: Variant at the donor splice site (+1) of intron 19 of the ATM gene. It is predicted to result in exon skipping of the biologically relevant exon 19, leading to a frameshift and the introduction of a premature stop codon, followed by nonsense-mediated decay (NMD) of the transcript in a gene for which loss of function is a disease mechanism. PM3_VeryStrong: The variant has been identified in 5 individuals with ataxia-telangiectasia: 2 in the homozygous state, 1 in trans with a pathogenic variant, and 2 with a pathogenic variant of unknown phase (PMID: 11298136, 23322442, 31741144, 33840814, 34337741). PS1_Supporting: Variant in a donor dinucleotide where other variants in the same dinucleotide (c.2921+1G>C and c.2921+1G>T) are classified as pathogenic and are predicted to have a similar effect on splicing as c.2921+1G>A.

Center for Genomic Medicine, Rigshospitalet, Copenhagen University Hospital
Classification: Pathogenic. Last evaluated: 2025-12-29. Review status: criteria provided, single submitter. Criteria: ACMG Guidelines, 2015. Collection method: clinical testing. Allele origin: germline.
Comment: Classification criteria: PVS1, PM2_supporting, PM3_moderate

Labcorp Genetics (formerly Invitae), Labcorp
Classification: Pathogenic for Ataxia-telangiectasia syndrome. Last evaluated: 2025-12-21. Review status: criteria provided, single submitter. Criteria: Invitae Variant Classification Sherloc (09022015). Collection method: clinical testing. Allele origin: germline.
Comment: This sequence change affects a donor splice site in intron 19 of the ATM gene. RNA analysis indicates that disruption of this splice site induces altered splicing and may result in an absent or altered protein product. This variant is present in population databases (rs587781558, gnomAD 0.01%). Disruption of this splice site has been observed in individual(s) with ataxia-telangiectasia (PMID: 8845835, 11298136, 12673797, 12815592, 23322442). In at least one individual the data is consistent with being in trans (on the opposite chromosome) from a pathogenic variant. ClinVar contains an entry for this variant (Variation ID: 141182). Studies have shown that disruption of this splice site results in skipping of exon 19, and produces a non-functional protein and/or introduces a premature termination codon (internal data). For these reasons, this variant has been classified as Pathogenic.

Natera, Inc.
Classification: Pathogenic for Ataxia-telangiectasia. Last evaluated: 2025-09-25. Review status: criteria provided, single submitter. Criteria: Natera Variant Classification Schema (03/2026). Collection method: clinical testing. Allele origin: germline.
Comment: The c.2921+1G>A variant in ATM is a canonical splice donor site variant predicted to affect pre-mRNA splicing, which may result in an abnormal transcript and altered protein product. This variant is expected to result in nonsense mediated decay, truncation, or a dysfunctional protein product. This variant is rare in the general population with a frequency below the threshold expected for the associated phenotype(s). This variant has been observed in one or more individuals affected with the associated recessive disease, as either homozygous or compound heterozygous with a second variant (PMID: 31741144, 23322442). Another variant at this same site results in an alteration predicted to cause a similar molecular effect has been observed in individual(s) with the associated phenotype. Given the available evidence, this variant is classified as Pathogenic.

Ambry Genetics
Classification: Pathogenic for Hereditary cancer-predisposing syndrome. Last evaluated: 2025-06-23. Review status: criteria provided, single submitter. Criteria: Ambry Variant Classification Scheme 2023. Collection method: clinical testing. Allele origin: germline.
Comment: The c.2921+1G>A intronic pathogenic mutation results from a G to A substitution one nucleotide after coding exon 18 of the ATM gene. This variant has been identified in the homozygous state and/or in conjunction with other ATM variant(s) in individual(s) who met clinical criteria for ataxia telangiectasia (Gilad S et al. Hum. Mol. Genet. 1996 Apr;5:433-9; Castellvi-Bel S et al. Hum. Mutat. 1999;14:156-62; Mitui M et al. Hum. Mutat. 2003 Jul;22:43-50; Jeddane L et al. Neuromolecular Med. 2013 Jun;15:288-94). The c.2921+1G>A mutation has also been shown to lead to exon skipping resulting in a frameshift and premature protein truncation (Garc&iacute;a-P&eacute;rez MA et al. Clin. Exp. Immunol. 2001 Mar;123:472-80). This nucleotide position is highly conserved in available vertebrate species. In silico splice site analysis predicts that this alteration will weaken the native splice donor site. RNA studies have demonstrated that this alteration results in the same splicing event reported in the literature (Ambry internal data). Of note, this mutation is also designated as IVS21+1G>A and 2839del83 in published literature. In addition to the clinical data presented in the literature, alterations that disrupt the canonical splice site are expected to cause aberrant splicing, resulting in an abnormal protein or a transcript that is subject to nonsense-mediated mRNA decay. As such, this alteration is classified as a disease-causing mutation.

Molecular Pathology, Peter Maccallum Cancer Centre
Classification: Pathogenic for Ataxia-telangiectasia syndrome. Last evaluated: 2025-04-07. Review status: criteria provided, single submitter. Criteria: ACMG Guidelines, 2015. Collection method: clinical testing. Allele origin: germline. Inheritance: Autosomal recessive inheritance.

Center for Genomic Medicine, Rigshospitalet, Copenhagen University Hospital
Classification: Oncogenic for Neoplasm. Last evaluated: 2025-03-04. Review status: criteria provided, single submitter. Criteria: ClinGen/CGC/VICC Guidelines for Oncogenicity, 2022. Collection method: clinical testing. Allele origin: somatic. Affected: yes.

Athena Diagnostics
Classification: Pathogenic. Last evaluated: 2024-11-20. Review status: criteria provided, single submitter. Criteria: Athena Diagnostics Criteria. Collection method: clinical testing. Allele origin: unknown.
Comment: This variant is expected to severely impact normal RNA splicing, and consequently, protein structure and/or function. The frequency of this variant in the general population is consistent with pathogenicity. In multiple individuals with ataxia-telangiectasia, this variant has been seen with a single recessive pathogenic variant in the same gene.

Quest Diagnostics Nichols Institute San Juan Capistrano
Classification: Pathogenic. Last evaluated: 2024-11-18. Review status: criteria provided, single submitter. Criteria: Quest Diagnostics criteria. Collection method: clinical testing. Allele origin: unknown.
Comment: The ATM c.2921+1G>A variant disrupts a canonical splice-donor site and interferes with normal ATM mRNA splicing. This variant has been reported in the published literature in individuals affected with breast cancer (PMIDs: 12673797 (2003), 21445571 (2011), 34204722 (2021), 38520597 (2024)), including male breast cancer (PMID: 33462019 (2021)), endometrial cancer (PMID: 27443514 (2016)), and ataxia-telangiectasia (PMIDs: 8845835 (1996), 12673797 (2003), 12815592 (2003), 23322442 (2013), 30338439 (2019)). The frequency of this variant in the general population, 0.000035 (4/113678 chromosomes (Genome Aggregation Database)), is consistent with pathogenicity. Based on the available information, this variant is classified as pathogenic.

NM_000051.4(ATM):c.2921+1G>A

Gene: ATM (ATM serine/threonine kinase; plus strand). Cytogenetic location: 11q22.3.
Variant type: single nucleotide variant.
Coding change: c.2921+1G>A on transcript NM_000051.4 (MANE Select); the canonical splice donor site of the intron after coding-DNA position 2921, G replaced by A.
Molecular consequence: splice donor variant.
Genome position (GRCh38, 1-based): chr11:108,271,147, G>A. VCF-style: chr11-108271147-G-A. GRCh37 (hg19) VCF-style: chr11-108141874-G-A.
Other names: c.2921+1G>A (NM_001351834.2, NM_000051.1).
Identifiers: ClinVar variation 141182 (VCV000141182.87), dbSNP rs587781558, ClinGen allele CA164701.